The following is an entry in ClinVar:

ClinVar aggregate classification (germline): Uncertain significance (1 of 4 stars; one submission).

Submission:

GeneDx
Classification: Uncertain significance. Last evaluated: 2022-04-22. Review status: criteria provided, single submitter. Criteria: GeneDx Variant Classification Process June 2021. Collection method: clinical testing. Allele origin: germline. Affected: yes.
Comment: Not observed at significant frequency in large population cohorts (gnomAD); In silico analysis supports that this missense variant has a deleterious effect on protein structure/function; Has not been previously published as pathogenic or benign to our knowledge

NM_005121.3(MED13):c.3437T>C (p.Leu1146Pro)

Gene: MED13 (mediator complex subunit 13; minus strand). Cytogenetic location: 17q23.2.
Variant type: single nucleotide variant.
Coding change: c.3437T>C on transcript NM_005121.3 (MANE Select); coding-DNA position 3437, T replaced by C.
Protein change: p.Leu1146Pro; replaces leucine 1146 with proline.
Molecular consequence: missense variant.
Genome position (GRCh38, 1-based): chr17:61,982,566, A>G on the plus strand (T>C on the coding strand, the complement: MED13 is on the minus strand). VCF-style: chr17-61982566-A-G. GRCh37 (hg19) VCF-style: chr17-60059927-A-G.
Other names: short protein forms L1146P.
Identifiers: ClinVar variation 1711906 (VCV001711906.2), dbSNP rs2509276560, ClinGen allele CA400503998.
Genomic context (GRCh38, chr17:61,982,566, plus strand): 5'-AGAGCTTCAAAACGTTTTTCTGCTTCTTTGCCACAGTCTGTATTGCGTCCTATGATATCT[A>G]GTTCATCTTCAAGAAATAATCCTGAATTGTTTCCAAATTTTCTGTTCATGACAGCACTGA-3'
Protein context (NP_005112.2, residues 1136-1156): NNSGLFLEDE[Leu1146Pro]DIIGRNTDCG